The following is an entry in ClinVar:

ClinVar aggregate classification (germline): Uncertain significance (1 of 4 stars; one submission).

Allele frequency attached by ClinVar (database versions not stated): TOPMed below 0.00001; gnomAD 0.00004; gnomAD exomes 0.00008; ExAC 0.00016.

Submission:

Women's Health and Genetics/Laboratory Corporation of America, LabCorp
Classification: Uncertain significance. Last evaluated: 2024-03-07. Review status: criteria provided, single submitter. Criteria: LabCorp Variant Classification Summary - May 2015. Collection method: clinical testing. Allele origin: germline.
Comment: Variant summary: RBM28 c.810A>G (p.Arg270Arg) alters a conserved nucleotide located close to a canonical splice site and therefore could affect mRNA splicing, leading to a significantly altered protein sequence. Consensus agreement among computation tools predict no significant impact on normal splicing. However, these predictions have yet to be confirmed by functional studies. The variant allele was found at a frequency of 0.00018 in 251332 control chromosomes. This frequency is not significantly higher than estimated for a pathogenic variant in RBM28 causing ANE Syndrome, allowing no conclusion about variant significance. To our knowledge, no occurrence of c.810A>G in individuals affected with ANE Syndrome and no experimental evidence demonstrating its impact on protein function have been reported. No submitters have cited clinical-significance assessments for this variant to ClinVar. Based on the evidence outlined above, the variant was classified as uncertain significance.

NM_018077.3(RBM28):c.810A>G (p.Arg270=)

Gene: RBM28 (RNA binding motif protein 28; minus strand). Cytogenetic location: 7q32.1.
Variant type: single nucleotide variant.
Coding change: c.810A>G on transcript NM_018077.3 (MANE Select); coding-DNA position 810, A replaced by G.
Protein change: p.Arg270=; no amino-acid change (arginine 270 retained).
Molecular consequence: synonymous variant.
Genome position (GRCh38, 1-based): chr7:128,335,679, T>C on the plus strand (A>G on the coding strand, the complement: RBM28 is on the minus strand). VCF-style: chr7-128335679-T-C. GRCh37 (hg19) VCF-style: chr7-127975733-T-C.
Other names: c.387A>G, p.Arg129= (NM_001166135.2).
Identifiers: ClinVar variation 3233594 (VCV003233594.2), dbSNP rs373845805, ClinGen allele CA4470186.